The following is an entry in ClinVar:

ClinVar aggregate classification (germline): Uncertain significance (1 of 4 stars; one submission).

Conditions:
Smith-Lemli-Opitz syndrome (SLOS). Also called: LETHAL ACRODYSGENITAL SYNDROME; POLYDACTYLY, SEX REVERSAL, RENAL HYPOPLASIA, AND UNILOBAR LUNG; RSH SYNDROME; RUTLEDGE LETHAL MULTIPLE CONGENITAL ANOMALY SYNDROME; 7-Dehydrocholesterol reductase deficiency. Identifiers: Orphanet 818, MedGen C0175694, MONDO:0010035, OMIM 270400.

Allele frequency attached by ClinVar (database versions not stated): ExAC 0.00001.
gnomAD v4.1: 1 of 1,614,072 alleles (0.000062%); highest among the groups gnomAD compares: South Asian, 0.0011%; no homozygotes.

Submission:

Labcorp Genetics (formerly Invitae), Labcorp
Classification: Uncertain significance for Smith-Lemli-Opitz syndrome. Last evaluated: 2023-07-17. Review status: criteria provided, single submitter. Criteria: Invitae Variant Classification Sherloc (09022015). Collection method: clinical testing. Allele origin: germline.
Comment: In summary, the available evidence is currently insufficient to determine the role of this variant in disease. Therefore, it has been classified as a Variant of Uncertain Significance. Advanced modeling of protein sequence and biophysical properties (such as structural, functional, and spatial information, amino acid conservation, physicochemical variation, residue mobility, and thermodynamic stability) performed at Invitae indicates that this missense variant is expected to disrupt DHCR7 protein function. ClinVar contains an entry for this variant (Variation ID: 1721219). This variant has not been reported in the literature in individuals affected with DHCR7-related conditions. This variant is present in population databases (rs756795175, gnomAD 0.003%). This sequence change replaces methionine, which is neutral and non-polar, with valine, which is neutral and non-polar, at codon 221 of the DHCR7 protein (p.Met221Val).

NM_001360.3(DHCR7):c.661A>G (p.Met221Val)

Gene: DHCR7 (7-dehydrocholesterol reductase; minus strand). Cytogenetic location: 11q13.4.
Variant type: single nucleotide variant.
Coding change: c.661A>G on transcript NM_001360.3 (MANE Select); coding-DNA position 661, A replaced by G.
Protein change: p.Met221Val; replaces methionine 221 with valine.
Molecular consequence: missense variant.
Genome position (GRCh38, 1-based): chr11:71,439,049, T>C on the plus strand (A>G on the coding strand, the complement: DHCR7 is on the minus strand). VCF-style: chr11-71439049-T-C. GRCh37 (hg19) VCF-style: chr11-71150095-T-C.
Other names: c.661A>G, p.Met221Val (NM_001163817.2); short protein forms M221V.
Identifiers: ClinVar variation 1721219 (VCV001721219.5), dbSNP rs756795175, ClinGen allele CA6162495.